The following is an entry in ClinVar:

ClinVar aggregate classification (germline): Pathogenic (1 of 4 stars; one submission).

Conditions:
Osteogenesis imperfecta type I (OI1). Also called: Lobstein's Disease; Osteogenesis imperfecta type 1; Classic Non-deforming Osteogenesis Imperfecta with Blue Sclerae; Lobstein disease; OI, TYPE I; OSTEOGENESIS IMPERFECTA TARDA. Identifiers: Orphanet 216796, Orphanet 666, MedGen C0023931, MONDO:0008146, OMIM 166200. Disease mechanism: loss of function.

Submission:

Labcorp Genetics (formerly Invitae), Labcorp
Classification: Pathogenic for Osteogenesis imperfecta type I. Last evaluated: 2022-04-08. Review status: criteria provided, single submitter. Criteria: Invitae Variant Classification Sherloc (09022015). Collection method: clinical testing. Allele origin: germline.
Comment: Advanced modeling of protein sequence and biophysical properties (such as structural, functional, and spatial information, amino acid conservation, physicochemical variation, residue mobility, and thermodynamic stability) performed at Invitae indicates that this missense variant is expected to disrupt COL1A1 protein function. For these reasons, this variant has been classified as Pathogenic. This variant disrupts the triple helix domain of COL1A1. Glycine residues within the Gly-Xaa-Yaa repeats of the triple helix domain are required for the structure and stability of fibrillar collagens (PMID: 7695699, 8218237, 19344236). In COL1A1, variants affecting these glycine residues are significantly enriched in individuals with disease (PMID: 9016532, 17078022) compared to the general population (ExAC). This missense change has been observed in individual(s) with osteogenesis imperfecta (Invitae). This variant is not present in population databases (gnomAD no frequency). This sequence change replaces glycine, which is neutral and non-polar, with alanine, which is neutral and non-polar, at codon 467 of the COL1A1 protein (p.Gly467Ala).

Literature cited by the submitters: PubMed 7695699; PubMed 8218237; PubMed 19344236; PubMed 9016532; PubMed 17078022.

NM_000088.4(COL1A1):c.1400G>C (p.Gly467Ala)

Gene: COL1A1 (collagen type I alpha 1 chain; minus strand). Cytogenetic location: 17q21.33.
Variant type: single nucleotide variant.
Coding change: c.1400G>C on transcript NM_000088.4 (MANE Select); coding-DNA position 1400, G replaced by C.
Protein change: p.Gly467Ala; replaces glycine 467 with alanine.
Molecular consequence: missense variant.
Genome position (GRCh38, 1-based): chr17:50,194,782, C>G on the plus strand (G>C on the coding strand, the complement: COL1A1 is on the minus strand). VCF-style: chr17-50194782-C-G. GRCh37 (hg19) VCF-style: chr17-48272143-C-G.
Other names: short protein forms G467A.
Identifiers: ClinVar variation 2123349 (VCV002123349.4), dbSNP rs267604943, ClinGen allele CA400218362.